The following is an entry in ClinVar:

ClinVar aggregate classification (germline): Conflicting classifications of pathogenicity. Review status: criteria provided, conflicting classifications (1 of 4 stars). 3 submissions from 3 submitters: Uncertain significance (2); Likely benign (1). Last evaluated 2025-05-05.

Allele frequency attached by ClinVar (database versions not stated): TOPMed 0.00004; gnomAD exomes 0.00006 and 0.00002; ESP Exome Variant Server 0.00008; gnomAD 0.00001; ExAC 0.00002.
gnomAD v4.1: 27 of 1,612,884 alleles (0.0017%); highest among the groups gnomAD compares: Middle Eastern, 0.038%; no homozygotes.

Submissions (3):

Labcorp Genetics (formerly Invitae), Labcorp
Classification: Uncertain significance. Last evaluated: 2025-05-05. Review status: criteria provided, single submitter. Criteria: Invitae Variant Classification Sherloc (09022015). Collection method: clinical testing. Allele origin: germline.
Comment: This sequence change replaces arginine, which is basic and polar, with glutamine, which is neutral and polar, at codon 193 of the ABRAXAS1 protein (p.Arg193Gln). This variant is present in population databases (rs138594808, gnomAD 0.03%), and has an allele count higher than expected for a pathogenic variant. This variant has not been reported in the literature in individuals affected with ABRAXAS1-related conditions. ClinVar contains an entry for this variant (Variation ID: 834146). Invitae Evidence Modeling of protein sequence and biophysical properties (such as structural, functional, and spatial information, amino acid conservation, physicochemical variation, residue mobility, and thermodynamic stability) indicates that this missense variant is not expected to disrupt ABRAXAS1 protein function with a negative predictive value of 80%. In summary, the available evidence is currently insufficient to determine the role of this variant in disease. Therefore, it has been classified as a Variant of Uncertain Significance.

Ambry Genetics
Classification: Uncertain significance. Last evaluated: 2023-12-21. Review status: criteria provided, single submitter. Criteria: Ambry Variant Classification Scheme 2023. Collection method: clinical testing. Allele origin: germline.

Women's Health and Genetics/Laboratory Corporation of America, LabCorp
Classification: Likely benign. Last evaluated: 2023-11-03. Review status: criteria provided, single submitter. Criteria: LabCorp Variant Classification Summary - May 2015. Collection method: clinical testing. Allele origin: germline.

NM_139076.3(ABRAXAS1):c.578G>A (p.Arg193Gln)

Gene: ABRAXAS1 (abraxas 1, BRCA1 A complex subunit; minus strand). Cytogenetic location: 4q21.23.
Variant type: single nucleotide variant.
Coding change: c.578G>A on transcript NM_139076.3 (MANE Select); coding-DNA position 578, G replaced by A.
Protein change: p.Arg193Gln; replaces arginine 193 with glutamine.
Molecular consequence: missense variant.
Genome position (GRCh38, 1-based): chr4:83,469,050, C>T on the plus strand (G>A on the coding strand, the complement: ABRAXAS1 is on the minus strand). VCF-style: chr4-83469050-C-T. GRCh37 (hg19) VCF-style: chr4-84390203-C-T.
Other names: c.251G>A, p.Arg84Gln (NM_001345962.2); short protein forms R193Q, R84Q.
Identifiers: ClinVar variation 834146 (VCV000834146.13), dbSNP rs138594808, ClinGen allele CA2990515.